The following is an entry in ClinVar:

NM_003954.5(MAP3K14):c.816C>G (p.Leu272=)

Gene: MAP3K14 (mitogen-activated protein kinase kinase kinase 14; minus strand). Cytogenetic location: 17q21.31.
Variant type: single nucleotide variant.
Coding change: c.816C>G on transcript NM_003954.5 (MANE Select); coding-DNA position 816, C replaced by G.
Protein change: p.Leu272=; no amino-acid change (leucine 272 retained).
Molecular consequence: synonymous variant.
Genome position (GRCh38, 1-based): chr17:45,286,767, G>C on the plus strand (C>G on the coding strand, the complement: MAP3K14 is on the minus strand). VCF-style: chr17-45286767-G-C. GRCh37 (hg19) VCF-style: chr17-43364134-G-C.
Identifiers: ClinVar variation 3046611 (VCV003046611.1), dbSNP rs1323408203, ClinGen allele CA500639909.

ClinVar aggregate classification (germline): Likely benign (1 of 4 stars; one submission).

Conditions:
MAP3K14-related disorder. Also called: MAP3K14-related condition.

Submission:

PreventionGenetics, part of Exact Sciences
Classification: Likely benign for MAP3K14-related condition. Last evaluated: 2019-02-19. Review status: criteria provided, single submitter. Criteria: ACMG Guidelines, 2015. Collection method: clinical testing. Allele origin: germline.
Comment: This variant is classified as likely benign based on ACMG/AMP sequence variant interpretation guidelines (Richards et al. 2015 PMID: 25741868, with internal and published modifications).